The following is an entry in ClinVar:

NM_004415.4(DSP):c.1268A>G (p.Lys423Arg)

Gene: DSP (desmoplakin; plus strand). Cytogenetic location: 6p24.3.
Variant type: single nucleotide variant.
Coding change: c.1268A>G on transcript NM_004415.4 (MANE Select); coding-DNA position 1268, A replaced by G.
Protein change: p.Lys423Arg; replaces lysine 423 with arginine.
Molecular consequence: missense variant.
Genome position (GRCh38, 1-based): chr6:7,568,438, A>G. VCF-style: chr6-7568438-A-G. GRCh37 (hg19) VCF-style: chr6-7568671-A-G.
Other names: c.1268A>G, p.Lys423Arg (NM_001008844.3, NM_001319034.2); short protein forms K423R.
Identifiers: ClinVar variation 966742 (VCV000966742.9), dbSNP rs1175321093, ClinGen allele CA362676284.

ClinVar aggregate classification (germline): Uncertain significance. Review status: criteria provided, multiple submitters, no conflicts (2 of 4 stars). 2 submissions from 2 submitters: Uncertain significance (2). Last evaluated 2025-08-24.

Conditions:
Cardiovascular phenotype. Identifiers: MedGen CN230736.
Arrhythmogenic cardiomyopathy with wooly hair and keratoderma. Also called: Carvajal syndrome; PALMOPLANTAR KERATODERMA WITH LEFT VENTRICULAR CARDIOMYOPATHY AND WOOLLY HAIR; Dilated cardiomyopathy with woolly hair and keratoderma; Arrhythmogenic cardiomyopathy with woolly hair and keratoderma. Identifiers: Orphanet 65282, MedGen C1854063, MONDO:0011581, OMIM 605676.
Arrhythmogenic right ventricular dysplasia 8 (ARVD8). Also called: ARRHYTHMOGENIC RIGHT VENTRICULAR DYSPLASIA, FAMILIAL, 8; ARRHYTHMOGENIC RIGHT VENTRICULAR CARDIOMYOPATHY 8; Arrhythmogenic Right Ventricular Dysplasia/Cardiomyopathy 8. Identifiers: MedGen C1843896, MONDO:0011831, OMIM 607450.

Allele frequency attached by ClinVar (database versions not stated): gnomAD exomes below 0.00001; gnomAD 0.00001; TOPMed 0.00001.
gnomAD v4.1: 5 of 1,613,984 alleles (0.00031%); highest among the groups gnomAD compares: Non-Finnish European, 0.00042%; no homozygotes.

Submissions (2):

Ambry Genetics
Classification: Uncertain significance for Cardiovascular phenotype. Last evaluated: 2025-08-24. Review status: criteria provided, single submitter. Criteria: Ambry Variant Classification Scheme 2023. Collection method: clinical testing. Allele origin: germline.
Comment: The p.K423R variant (also known as c.1268A>G), located in coding exon 11 of the DSP gene, results from an A to G substitution at nucleotide position 1268. The lysine at codon 423 is replaced by arginine, an amino acid with highly similar properties. This amino acid position is conserved. In addition, this alteration is predicted to be tolerated by in silico analysis. Based on the available evidence, the clinical significance of this variant remains unclear.

Labcorp Genetics (formerly Invitae), Labcorp
Classification: Uncertain significance for Arrhythmogenic cardiomyopathy with wooly hair and keratoderma; Arrhythmogenic right ventricular dysplasia 8. Last evaluated: 2022-11-22. Review status: criteria provided, single submitter. Criteria: Invitae Variant Classification Sherloc (09022015). Collection method: clinical testing. Allele origin: germline.
Comment: This sequence change replaces lysine, which is basic and polar, with arginine, which is basic and polar, at codon 423 of the DSP protein (p.Lys423Arg). This variant is not present in population databases (gnomAD no frequency). This variant has not been reported in the literature in individuals affected with DSP-related conditions. ClinVar contains an entry for this variant (Variation ID: 966742). Algorithms developed to predict the effect of missense changes on protein structure and function output the following: SIFT: "Tolerated"; PolyPhen-2: "Benign"; Align-GVGD: "Class C0". The arginine amino acid residue is found in multiple mammalian species, which suggests that this missense change does not adversely affect protein function. In summary, the available evidence is currently insufficient to determine the role of this variant in disease. Therefore, it has been classified as a Variant of Uncertain Significance.